The following is an entry in ClinVar:

ClinVar aggregate classification (germline): Uncertain significance (1 of 4 stars; one submission).

gnomAD v4.1: 4 of 1,612,764 alleles (0.00025%); highest among the groups gnomAD compares: Middle Eastern, 0.033%; no homozygotes.

Submission:

Labcorp Genetics (formerly Invitae), Labcorp
Classification: Uncertain significance. Last evaluated: 2025-02-13. Review status: criteria provided, single submitter. Criteria: Invitae Variant Classification Sherloc (09022015). Collection method: clinical testing. Allele origin: germline.
Comment: This sequence change replaces arginine, which is basic and polar, with tryptophan, which is neutral and slightly polar, at codon 12 of the COX4I2 protein (p.Arg12Trp). This variant is not present in population databases (gnomAD no frequency). This variant has not been reported in the literature in individuals affected with COX4I2-related conditions. An algorithm developed to predict the effect of missense changes on protein structure and function (PolyPhen-2) suggests that this variant is likely to be tolerated. In summary, the available evidence is currently insufficient to determine the role of this variant in disease. Therefore, it has been classified as a Variant of Uncertain Significance.

NM_032609.3(COX4I2):c.34A>T (p.Arg12Trp)

Gene: COX4I2 (cytochrome c oxidase subunit 4I2; plus strand). Cytogenetic location: 20q11.21.
Variant type: single nucleotide variant.
Coding change: c.34A>T on transcript NM_032609.3 (MANE Select); coding-DNA position 34, A replaced by T.
Protein change: p.Arg12Trp; replaces arginine 12 with tryptophan.
Molecular consequence: missense variant.
Genome position (GRCh38, 1-based): chr20:31,639,051, A>T. VCF-style: chr20-31639051-A-T. GRCh37 (hg19) VCF-style: chr20-30226854-A-T.
Other names: short protein forms R12W.
Identifiers: ClinVar variation 4754499 (VCV004754499.1).
Genomic context (GRCh38, chr20:31,639,051, plus strand): 5'-AACTCATCTATACCTTCACGCCCCCAGATGCTCCCCAGAGCTGCCTGGAGCTTGGTGCTG[A>T]GGAAAGGTGGAGGTGGAAGACGAGGGATGCACAGCTCAGAAGGCACCAGTGAGACCTGGA-3'
Protein context (NP_115998.2, residues 2-22): LPRAAWSLVL[Arg12Trp]KGGGGRRGMH